The following is an entry in ClinVar:

ClinVar aggregate classification (germline): Uncertain significance. Review status: criteria provided, multiple submitters, no conflicts (2 of 4 stars). 2 submissions from 2 submitters: Uncertain significance (2). Last evaluated 2025-12-13.

Conditions:
Bloom syndrome (BLM). Also called: Bloom-Torre-Machacek syndrome. Identifiers: Orphanet 125, MedGen C0005859, MONDO:0008876, OMIM 210900.
Hereditary cancer-predisposing syndrome. Also called: Hereditary Cancer Syndrome; Tumor predisposition; Hereditary neoplastic syndrome; Neoplastic Syndromes, Hereditary. Identifiers: Orphanet 140162, MedGen C0027672, MeSH D009386, MONDO:0015356.

Submissions (2):

Labcorp Genetics (formerly Invitae), Labcorp
Classification: Uncertain significance for Bloom syndrome. Last evaluated: 2025-12-13. Review status: criteria provided, single submitter. Criteria: Invitae Variant Classification Sherloc (09022015). Collection method: clinical testing. Allele origin: germline.
Comment: This sequence change replaces serine, which is neutral and polar, with tyrosine, which is neutral and polar, at codon 925 of the BLM protein (p.Ser925Tyr). This variant is not present in population databases (gnomAD no frequency). This variant has not been reported in the literature in individuals affected with BLM-related conditions. ClinVar contains an entry for this variant (Variation ID: 1417585). Invitae Evidence Modeling of protein sequence and biophysical properties (such as structural, functional, and spatial information, amino acid conservation, physicochemical variation, residue mobility, and thermodynamic stability) has been performed for this missense variant. However, the output from this modeling did not meet the statistical confidence thresholds required to predict the impact of this variant on BLM protein function. In summary, the available evidence is currently insufficient to determine the role of this variant in disease. Therefore, it has been classified as a Variant of Uncertain Significance.

Ambry Genetics
Classification: Uncertain significance for Hereditary cancer-predisposing syndrome. Last evaluated: 2023-05-11. Review status: criteria provided, single submitter. Criteria: Ambry Variant Classification Scheme 2023. Collection method: clinical testing. Allele origin: germline.
Comment: The p.S925Y variant (also known as c.2774C>A), located in coding exon 13 of the BLM gene, results from a C to A substitution at nucleotide position 2774. The serine at codon 925 is replaced by tyrosine, an amino acid with dissimilar properties. This amino acid position is conserved. In addition, the in silico prediction for this alteration is inconclusive. Since supporting evidence is limited at this time, the clinical significance of this alteration remains unclear.

NM_000057.4(BLM):c.2774C>A (p.Ser925Tyr)

Gene: BLM (BLM RecQ like helicase; plus strand). Cytogenetic location: 15q26.1.
Variant type: single nucleotide variant.
Coding change: c.2774C>A on transcript NM_000057.4 (MANE Select); coding-DNA position 2774, C replaced by A.
Protein change: p.Ser925Tyr; replaces serine 925 with tyrosine.
Molecular consequence: missense variant.
Genome position (GRCh38, 1-based): chr15:90,785,032, C>A. VCF-style: chr15-90785032-C-A. GRCh37 (hg19) VCF-style: chr15-91328262-C-A.
Other names: c.2774C>A (NM_000057.2); c.2774C>A, p.Ser925Tyr (NM_001287246.2, NM_001287247.2); c.1649C>A, p.Ser550Tyr (NM_001287248.2); short protein forms S550Y, S925Y.
Identifiers: ClinVar variation 1417585 (VCV001417585.7), dbSNP rs2151179877, ClinGen allele CA393846082.